The following is an entry in ClinVar:

NM_021625.5(TRPV4):c.1064G>A (p.Arg355His)

Gene: TRPV4 (transient receptor potential cation channel subfamily V member 4; minus strand). Cytogenetic location: 12q24.11.
Variant type: single nucleotide variant.
Coding change: c.1064G>A on transcript NM_021625.5 (MANE Select); coding-DNA position 1064, G replaced by A.
Protein change: p.Arg355His; replaces arginine 355 with histidine.
Molecular consequence: missense variant.
Genome position (GRCh38, 1-based): chr12:109,798,702, C>T on the plus strand (G>A on the coding strand, the complement: TRPV4 is on the minus strand). VCF-style: chr12-109798702-C-T. GRCh37 (hg19) VCF-style: chr12-110236507-C-T.
Other names: c.923G>A, p.Arg308His (NM_001177433.2, NM_001177428.2); c.1064G>A, p.Arg355His (NM_147204.3); c.962G>A, p.Arg321His (NM_001177431.2); short protein forms R308H, R321H, R355H.
Identifiers: ClinVar variation 1256301 (VCV001256301.9), dbSNP rs764715510, ClinGen allele CA6780361.

ClinVar aggregate classification (germline): Conflicting classifications of pathogenicity. Review status: criteria provided, conflicting classifications (1 of 4 stars). 3 submissions from 3 submitters: Uncertain significance (2); Likely benign (1). Last evaluated 2024-04-09.

Conditions:
Inborn genetic diseases. Identifiers: MedGen C0950123, MeSH D030342.
Charcot-Marie-Tooth disease axonal type 2C (HMSN2C). Also called: Charcot-Marie-Tooth Disease Type 2, TRPV4-Related (CMT2C); CHARCOT-MARIE-TOOTH DISEASE, AXONAL, AUTOSOMAL DOMINANT, TYPE 2C; Charcot-Marie-Tooth Neuropathy Type 2C. Identifiers: Orphanet 99937, MedGen C1853710, MONDO:0011633, OMIM 606071.

Allele frequency attached by ClinVar (database versions not stated): ExAC 0.00001; gnomAD 0.00001.
gnomAD v4.1: 20 of 1,613,800 alleles (0.0012%); highest among the groups gnomAD compares: South Asian, 0.0055%; no homozygotes.

Submissions (3):

Labcorp Genetics (formerly Invitae), Labcorp
Classification: Uncertain significance for Charcot-Marie-Tooth disease axonal type 2C. Last evaluated: 2024-04-09. Review status: criteria provided, single submitter. Criteria: Invitae Variant Classification Sherloc (09022015). Collection method: clinical testing. Allele origin: germline.
Comment: This sequence change replaces arginine, which is basic and polar, with histidine, which is basic and polar, at codon 355 of the TRPV4 protein (p.Arg355His). This variant is present in population databases (rs764715510, gnomAD 0.02%). This variant has not been reported in the literature in individuals affected with TRPV4-related conditions. ClinVar contains an entry for this variant (Variation ID: 1256301). Advanced modeling of protein sequence and biophysical properties (such as structural, functional, and spatial information, amino acid conservation, physicochemical variation, residue mobility, and thermodynamic stability) performed at Invitae indicates that this missense variant is expected to disrupt TRPV4 protein function with a positive predictive value of 80%. In summary, the available evidence is currently insufficient to determine the role of this variant in disease. Therefore, it has been classified as a Variant of Uncertain Significance.

Athena Diagnostics
Classification: Uncertain significance. Last evaluated: 2020-10-29. Review status: criteria provided, single submitter. Criteria: Athena Diagnostics criteria. Collection method: clinical testing. Allele origin: unknown.

Ambry Genetics
Classification: Likely benign for Inborn genetic diseases. Last evaluated: 2020-02-07. Review status: criteria provided, single submitter. Criteria: Ambry Variant Classification Scheme 2023. Collection method: clinical testing. Allele origin: germline.